The following is an entry in ClinVar:

ClinVar aggregate classification (germline): Uncertain significance. Review status: criteria provided, single submitter (1 of 4 stars). 2 submissions from 2 submitters: Uncertain significance (1). 1 of the submissions does not count toward it. Last evaluated 2021-08-24.

Conditions:
Glycogen storage disease type III (GSD3). Also called: FORBES DISEASE; Cori disease. Identifiers: Orphanet 366, MedGen C0017922, MONDO:0009291, OMIM 232400.

Allele frequency attached by ClinVar (database versions not stated): gnomAD exomes below 0.00001 and 0.00001; gnomAD 0.00006 and 0.00008; TOPMed 0.00014.
gnomAD v4.1: 13 of 1,613,812 alleles (0.00081%); highest among the groups gnomAD compares: Admixed American, 0.017%; 1 homozygote.

Submissions (2):

Labcorp Genetics (formerly Invitae), Labcorp
Classification: Uncertain significance for Glycogen storage disease type III. Last evaluated: 2021-08-24. Review status: criteria provided, single submitter. Criteria: Invitae Variant Classification Sherloc (09022015). Collection method: clinical testing. Allele origin: germline.
Comment: This sequence change replaces serine with asparagine at codon 4 of the AGL protein (p.Ser4Asn). The serine residue is weakly conserved and there is a small physicochemical difference between serine and asparagine. This variant is not present in population databases (ExAC no frequency). This variant has not been reported in the literature in individuals affected with AGL-related conditions. Algorithms developed to predict the effect of missense changes on protein structure and function (SIFT, PolyPhen-2, Align-GVGD) all suggest that this variant is likely to be tolerated. In summary, the available evidence is currently insufficient to determine the role of this variant in disease. Therefore, it has been classified as a Variant of Uncertain Significance.

Natera, Inc.
Classification: Uncertain significance for Glycogen storage disease type III. Last evaluated: 2020-03-27. Review status: no assertion criteria provided. Collection method: clinical testing. Allele origin: germline. Not counted in ClinVar's aggregate classification.

NM_000642.3(AGL):c.11G>A (p.Ser4Asn)

Gene: AGL (amylo-alpha-1,6-glucosidase and 4-alpha-glucanotransferase; plus strand). Cytogenetic location: 1p21.2.
Variant type: single nucleotide variant.
Coding change: c.11G>A on transcript NM_000642.3 (MANE Select); coding-DNA position 11, G replaced by A.
Protein change: p.Ser4Asn; replaces serine 4 with asparagine.
Molecular consequence: missense variant.
Genome position (GRCh38, 1-based): chr1:99,851,053, G>A. VCF-style: chr1-99851053-G-A. GRCh37 (hg19) VCF-style: chr1-100316609-G-A.
Other names: c.11G>A, p.Ser4Asn (NM_000028.3, NM_000643.3, NM_000644.3 and 6 more transcripts); c.-181G>A (NM_000646.3); short protein forms S4N.
Identifiers: ClinVar variation 971151 (VCV000971151.10), dbSNP rs1257997077, ClinGen allele CA341323405.